The following is an entry in ClinVar:

ClinVar aggregate classification (germline): Uncertain significance (1 of 4 stars; one submission).

Conditions:
Hereditary cancer-predisposing syndrome. Also called: Tumor predisposition; Hereditary neoplastic syndrome; Hereditary Cancer Syndrome; Neoplastic Syndromes, Hereditary. Identifiers: Orphanet 140162, MedGen C0027672, MeSH D009386, MONDO:0015356.

Submission:

Ambry Genetics
Classification: Uncertain significance for Hereditary cancer-predisposing syndrome. Last evaluated: 2023-11-21. Review status: criteria provided, single submitter. Criteria: Ambry Variant Classification Scheme 2023. Collection method: clinical testing. Allele origin: germline.
Comment: The p.H669D variant (also known as c.2005C>G), located in coding exon 16 of the BAP1 gene, results from a C to G substitution at nucleotide position 2005. The histidine at codon 669 is replaced by aspartic acid, an amino acid with similar properties. This amino acid position is highly conserved in available vertebrate species. In addition, this alteration is predicted to be deleterious by in silico analysis. Since supporting evidence is limited at this time, the clinical significance of this alteration remains unclear.

NM_004656.4(BAP1):c.2005C>G (p.His669Asp)

Gene: BAP1 (BRCA1 associated deubiquitinase 1; minus strand). Cytogenetic location: 3p21.1.
Variant type: single nucleotide variant.
Coding change: c.2005C>G on transcript NM_004656.4 (MANE Select); coding-DNA position 2005, C replaced by G.
Protein change: p.His669Asp; replaces histidine 669 with aspartic acid.
Molecular consequence: missense variant.
Genome position (GRCh38, 1-based): chr3:52,402,653, G>C on the plus strand (C>G on the coding strand, the complement: BAP1 is on the minus strand). VCF-style: chr3-52402653-G-C. GRCh37 (hg19) VCF-style: chr3-52436669-G-C.
Other names: c.1951C>G, p.His651Asp (NM_001410772.1); short protein forms H651D, H669D.
Identifiers: ClinVar variation 3224450 (VCV003224450.1), dbSNP rs762288547, ClinGen allele CA353096324.